The following is an entry in ClinVar:

NM_006904.7(PRKDC):c.6236A>C (p.Asp2079Ala)

Gene: PRKDC (protein kinase, DNA-activated, catalytic subunit; minus strand). Cytogenetic location: 8q11.21.
Variant type: single nucleotide variant.
Coding change: c.6236A>C on transcript NM_006904.7 (MANE Select); coding-DNA position 6236, A replaced by C.
Protein change: p.Asp2079Ala; replaces aspartic acid 2079 with alanine.
Molecular consequence: missense variant.
Genome position (GRCh38, 1-based): chr8:47,858,958, T>G on the plus strand (A>C on the coding strand, the complement: PRKDC is on the minus strand). VCF-style: chr8-47858958-T-G. GRCh37 (hg19) VCF-style: chr8-48771519-T-G.
Other names: c.6236A>C, p.Asp2079Ala (NM_001081640.2); short protein forms D2079A.
Identifiers: ClinVar variation 2841402 (VCV002841402.3), dbSNP rs897481446, ClinGen allele CA371161042.

ClinVar aggregate classification (germline): Uncertain significance (1 of 4 stars; one submission).

Conditions:
Severe combined immunodeficiency due to DNA-PKcs deficiency. Also called: IMMUNODEFICIENCY 26 WITH NEUROLOGIC ABNORMALITIES; Immunodeficiency 26 with or without neurologic abnormalities. Identifiers: Orphanet 317425, MedGen C4014833, MONDO:0014423, OMIM 615966.

Submission:

Labcorp Genetics (formerly Invitae), Labcorp
Classification: Uncertain significance for Severe combined immunodeficiency due to DNA-PKcs deficiency. Last evaluated: 2023-02-27. Review status: criteria provided, single submitter. Criteria: Invitae Variant Classification Sherloc (09022015). Collection method: clinical testing. Allele origin: germline.
Comment: In summary, the available evidence is currently insufficient to determine the role of this variant in disease. Therefore, it has been classified as a Variant of Uncertain Significance. Advanced modeling of protein sequence and biophysical properties (such as structural, functional, and spatial information, amino acid conservation, physicochemical variation, residue mobility, and thermodynamic stability) performed at Invitae indicates that this missense variant is not expected to disrupt PRKDC protein function. This variant has not been reported in the literature in individuals affected with PRKDC-related conditions. This variant is not present in population databases (gnomAD no frequency). This sequence change replaces aspartic acid, which is acidic and polar, with alanine, which is neutral and non-polar, at codon 2079 of the PRKDC protein (p.Asp2079Ala).